The following is an entry in ClinVar:

NM_000163.5(GHR):c.*300G>A

Gene: GHR (growth hormone receptor; plus strand). Cytogenetic location: 5p12.
Variant type: single nucleotide variant.
Coding change: c.*300G>A on transcript NM_000163.5 (MANE Select); 300 bases downstream of the stop codon, G replaced by A.
Molecular consequence: 3 prime UTR variant.
Genome position (GRCh38, 1-based): chr5:42,719,724, G>A. VCF-style: chr5-42719724-G-A. GRCh37 (hg19) VCF-style: chr5-42719826-G-A.
Other names: c.*300G>A (NM_001242399.2, NM_001242400.2, NM_001242401.4 and 6 more transcripts); c.*1259G>A (NM_001242462.1).
Identifiers: ClinVar variation 353693 (VCV000353693.7), dbSNP rs2910875, ClinGen allele CA10624606.

ClinVar aggregate classification (germline): Benign. Review status: criteria provided, multiple submitters, no conflicts (2 of 4 stars). 3 submissions from 3 submitters: Benign (3). Last evaluated 2018-11-12.

Conditions:
Laron-type isolated somatotropin defect. Also called: GROWTH HORMONE RECEPTOR DEFICIENCY; Laron Syndrome; Growth hormone binding protein deficiency or dysfunction; Growth hormone receptor deficiency or dysfunction; Laron dwarfism; Laron type pituitary dwarfism I. Identifiers: Orphanet 633, MedGen C0271568, MONDO:0009877, OMIM 262500.

Allele frequency attached by ClinVar (database versions not stated): gnomAD 0.43476 and 0.43917; TOPMed 0.43953; gnomAD exomes 0.44880; 1000 Genomes Project 30x 0.45144; 1000 Genomes Project 0.45567.
gnomAD v4.1: 173,604 of 390,290 alleles (44%); highest among the groups gnomAD compares: East Asian, 59%; 39,407 homozygotes.

Submissions (3):

GeneDx
Classification: Benign. Last evaluated: 2018-11-12. Review status: criteria provided, single submitter. Criteria: GeneDx Variant Classification Process June 2021. Collection method: clinical testing. Allele origin: germline. Affected: yes.

Illumina Laboratory Services, Illumina
Classification: Benign for Laron-type isolated somatotropin defect. Last evaluated: 2018-01-13. Review status: criteria provided, single submitter. Criteria: ICSL Variant Classification Criteria 13 December 2019. Collection method: clinical testing. Allele origin: germline.
Comment: This variant was observed in the ICSL laboratory as part of a predisposition screen in an ostensibly healthy population. It had not been previously curated by ICSL or reported in the Human Gene Mutation Database (HGMD: prior to June 1st, 2018), and was therefore a candidate for classification through an automated scoring system. Utilizing variant allele frequency, disease prevalence and penetrance estimates, and inheritance mode, an automated score was calculated to assess if this variant is too frequent to cause the disease. Based on the score and internal cut-off values, a variant classified as benign is not then subjected to further curation. The score for this variant resulted in a classification of benign for this disease.

Breakthrough Genomics
Classification: Benign. Review status: criteria provided, single submitter. Criteria: ACMG Guidelines, 2015. Collection method: not provided. Allele origin: germline. Inheritance: Autosomal recessive inheritance. Affected: yes.